The following is an entry in ClinVar:

NM_022455.5(NSD1):c.6457C>T (p.Pro2153Ser)

Gene: NSD1 (nuclear receptor binding SET domain protein 1; plus strand). Cytogenetic location: 5q35.3.
Variant type: single nucleotide variant.
Coding change: c.6457C>T on transcript NM_022455.5 (MANE Select); coding-DNA position 6457, C replaced by T.
Protein change: p.Pro2153Ser; replaces proline 2153 with serine.
Molecular consequence: missense variant.
Genome position (GRCh38, 1-based): chr5:177,292,152, C>T. VCF-style: chr5-177292152-C-T. GRCh37 (hg19) VCF-style: chr5-176719153-C-T.
Other names: c.5584C>T, p.Pro1862Ser (NM_001365684.2, NM_001409308.1, NM_172349.5); c.6457C>T, p.Pro2153Ser (NM_001409301.1, NM_001409302.1, NM_001409303.1); c.6037C>T, p.Pro2013Ser (NM_001409304.1); c.5704C>T, p.Pro1902Ser (NM_001409305.1); c.5695C>T, p.Pro1899Ser (NM_001409306.1, NM_001409307.1); c.5335C>T, p.Pro1779Ser (NM_001409309.1); short protein forms P1779S, P1862S, P1899S, P1902S, P2013S, P2153S.
Identifiers: ClinVar variation 4855692 (VCV004855692.1).

ClinVar aggregate classification (germline): Pathogenic (1 of 4 stars; one submission).

Conditions:
Sotos syndrome (SOTOS). Also called: CHROMOSOME 5q35 DELETION SYNDROME; CEREBRAL GIGANTISM; Sotos' syndrome; Distinctive facial appearance, overgrowth in childhood, and learning disabilities or delayed development; SOTOS SYNDROME 1. Identifiers: Orphanet 821, MedGen C0175695, MONDO:0019349, OMIM 117550.

Submission:

3billion
Classification: Pathogenic for Sotos syndrome. Last evaluated: 2025-07-09. Review status: criteria provided, single submitter. Criteria: ACMG Guidelines, 2015. Collection method: clinical testing. Allele origin: germline. Affected: yes.
Comment: The variant is not observed in the gnomAD v4.1.0 dataset. Predicted Consequence/Location: The variant is located in a mutational hot spot and/or well-established functional domain in which established pathogenic variants have been reported (PMID: 12464997). In silico tool predictions suggest damaging effect of the variant on gene or gene product [REVEL: 0.90 (>=0.6, sensitivity 0.68 and specificity 0.92); 3Cnet: 1.00 (> 0.75, sensitivity 0.96 and precision 0.92)]. The same nucleotide change resulting in the same amino acid change has been previously reported to be associated with NSD1-related disorder (PMID: 38228391). The variant has been previously reported as de novo in a similarly affected individual (PMID: 38228391). Therefore, this variant is classified as Pathogenic according to the recommendation of ACMG/AMP guideline.

Literature cited by the submitters: PubMed 38228391.